The following is an entry in ClinVar:

NC_000023.11:g.18650527C>T

Genes: CDKL5 (cyclin dependent kinase like 5; plus strand), RS1 (retinoschisin 1; minus strand). Cytogenetic location: Xp22.13.
Variant type: single nucleotide variant.
Molecular consequence: intron variant (on NM_000330.4). On other transcripts: missense variant (2).
Genome position: GRCh38 VCF-style: chrX-18650527-C-T. GRCh37 (hg19) VCF-style: chrX-18668647-C-T.
Other names: c.2915C>T, p.Thr972Ile (NM_001037343.2, NM_003159.3); c.185-3195G>A (NM_000330.4); short protein forms T972I.
Identifiers: ClinVar variation 3763585 (VCV003763585.2).

ClinVar aggregate classification (germline): Uncertain significance (1 of 4 stars; one submission).

Conditions:
Developmental and epileptic encephalopathy, 2 (DEE2). Also called: CDKL5 deficiency disorder; INFANTILE SPASM SYNDROME, X-LINKED 2. Identifiers: Orphanet 1934, Orphanet 3451, Orphanet 505652, MedGen C4750718, MONDO:0010396, OMIM 300672.
Angelman syndrome-like. Identifiers: MedGen CN128785.

gnomAD v4.1: 1 of 1,212,298 alleles (0.000082%); highest among the groups gnomAD compares: South Asian, 0.0018%; no homozygotes.

Submission:

Labcorp Genetics (formerly Invitae), Labcorp
Classification: Uncertain significance for Developmental and epileptic encephalopathy, 2; Angelman syndrome-like. Last evaluated: 2024-11-16. Review status: criteria provided, single submitter. Criteria: Invitae Variant Classification Sherloc (09022015). Collection method: clinical testing. Allele origin: germline.
Comment: This sequence change replaces threonine, which is neutral and polar, with isoleucine, which is neutral and non-polar, at codon 972 of the CDKL5 protein (p.Thr972Ile). This variant is present in population databases (no rsID available, gnomAD 0.005%). This variant has not been reported in the literature in individuals affected with CDKL5-related conditions. Invitae Evidence Modeling of protein sequence and biophysical properties (such as structural, functional, and spatial information, amino acid conservation, physicochemical variation, residue mobility, and thermodynamic stability) indicates that this missense variant is not expected to disrupt CDKL5 protein function with a negative predictive value of 95%. In summary, the available evidence is currently insufficient to determine the role of this variant in disease. Therefore, it has been classified as a Variant of Uncertain Significance.